The following is an entry in ClinVar:

NM_205836.3(FBXO38):c.3506T>C (p.Val1169Ala)

Gene: FBXO38 (F-box protein 38; plus strand). Cytogenetic location: 5q32.
Variant type: single nucleotide variant.
Coding change: c.3506T>C on transcript NM_205836.3 (MANE Select); coding-DNA position 3506, T replaced by C.
Protein change: p.Val1169Ala; replaces valine 1169 with alanine.
Molecular consequence: missense variant.
Genome position (GRCh38, 1-based): chr5:148,442,086, T>C. VCF-style: chr5-148442086-T-C. GRCh37 (hg19) VCF-style: chr5-147821649-T-C.
Other names: c.2771T>C, p.Val924Ala (NM_001271723.2); c.3281T>C, p.Val1094Ala (NM_030793.5); short protein forms V1169A, V1094A, V924A.
Identifiers: ClinVar variation 837931 (VCV000837931.11), dbSNP rs1754718621, ClinGen allele CA361661778.

ClinVar aggregate classification (germline): Uncertain significance (1 of 4 stars; one submission).

Conditions:
Distal hereditary motor neuropathy type 2. Identifiers: Orphanet 139525, MedGen C3711384, MeSH C580044, MONDO:0015352.

Allele frequency attached by ClinVar (database versions not stated): gnomAD 0.00001.
gnomAD v4.1: 2 of 1,614,022 alleles (0.00012%); highest among the groups gnomAD compares: African/African-American, 0.0013%; no homozygotes.

Submission:

Labcorp Genetics (formerly Invitae), Labcorp
Classification: Uncertain significance for Distal hereditary motor neuropathy type 2. Last evaluated: 2022-03-09. Review status: criteria provided, single submitter. Criteria: Invitae Variant Classification Sherloc (09022015). Collection method: clinical testing. Allele origin: germline.
Comment: In summary, the available evidence is currently insufficient to determine the role of this variant in disease. Therefore, it has been classified as a Variant of Uncertain Significance. Algorithms developed to predict the effect of missense changes on protein structure and function (SIFT, PolyPhen-2, Align-GVGD) all suggest that this variant is likely to be disruptive. ClinVar contains an entry for this variant (Variation ID: 837931). This variant has not been reported in the literature in individuals affected with FBXO38-related conditions. This variant is not present in population databases (gnomAD no frequency). This sequence change replaces valine, which is neutral and non-polar, with alanine, which is neutral and non-polar, at codon 1094 of the FBXO38 protein (p.Val1094Ala).